The following is an entry in ClinVar:

ClinVar aggregate classification (germline): Likely benign (1 of 4 stars; one submission).

Conditions:
Tooth agenesis, selective, 3 (STHAG3). Also called: HYPODONTIA/OLIGODONTIA 3. Identifiers: Orphanet 99798, MedGen C1970291, MONDO:0011477, OMIM 604625. Disease mechanism: loss of function.

Allele frequency attached by ClinVar (database versions not stated): 1000 Genomes Project 0.00100; 1000 Genomes Project 30x 0.00109; TOPMed 0.00252; ESP Exome Variant Server 0.00269.
gnomAD v4.1: 806 of 1,610,786 alleles (0.05%); highest among the groups gnomAD compares: African/African-American, 0.73%; 2 homozygotes.

Submission:

Illumina Laboratory Services, Illumina
Classification: Likely benign for Tooth agenesis, selective, 3. Last evaluated: 2018-01-12. Review status: criteria provided, single submitter. Criteria: ICSL Variant Classification Criteria 13 December 2019. Collection method: clinical testing. Allele origin: germline.
Comment: This variant was observed in the ICSL laboratory as part of a predisposition screen in an ostensibly healthy population. It had not been previously curated by ICSL or reported in the Human Gene Mutation Database (HGMD: prior to June 1st, 2018), and was therefore a candidate for classification through an automated scoring system. Utilizing variant allele frequency, disease prevalence and penetrance estimates, and inheritance mode, an automated score was calculated to assess if this variant is too frequent to cause the disease. Based on the score and internal cut-off values, a variant classified as likely benign is not then subjected to further curation. The score for this variant resulted in a classification of likely benign for this disease.

NM_001372076.1(PAX9):c.*12G>T

Gene: PAX9 (paired box 9; plus strand). Cytogenetic location: 14q13.3.
Variant type: single nucleotide variant.
Coding change: c.*12G>T on transcript NM_001372076.1 (MANE Select); 12 bases downstream of the stop codon, G replaced by T.
Molecular consequence: 3 prime UTR variant.
Genome position (GRCh38, 1-based): chr14:36,676,464, G>T. VCF-style: chr14-36676464-G-T. GRCh37 (hg19) VCF-style: chr14-37145669-G-T.
Other names: c.*12G>T (NM_006194.4).
Identifiers: ClinVar variation 882084 (VCV000882084.4), dbSNP rs188638197, ClinGen allele CA7159134.
Genomic context (GRCh38, chr14:36,676,464, plus strand): 5'-GCAGGCAGCCAGAGAAGGTAGTCATTCTGTCACGGCTTCCGCGCTCTGATGGGAAATTCC[G>T]TCTCCAGCAGCTTCACCCGGGTCTCCCTGTCTCAGCACCTCCTCCCCCAATTCCCAGGTC-3'